The following is an entry in ClinVar:

NM_000548.5(TSC2):c.281C>A (p.Pro94Gln)

Gene: TSC2 (TSC complex subunit 2; plus strand). Cytogenetic location: 16p13.3.
Variant type: single nucleotide variant.
Coding change: c.281C>A on transcript NM_000548.5 (MANE Select); coding-DNA position 281, C replaced by A.
Protein change: p.Pro94Gln; replaces proline 94 with glutamine.
Molecular consequence: missense variant. On other transcripts: intron variant (9), 5 prime UTR variant (14), non-coding transcript variant (5).
Genome position (GRCh38, 1-based): chr16:2,053,397, C>A. VCF-style: chr16-2053397-C-A. GRCh37 (hg19) VCF-style: chr16-2103398-C-A.
Other names: c.226-899C>A (NM_001406670.1, NM_001318827.2, NM_001406678.1); c.-1-2799C>A (NM_001406682.1, NM_001406684.1, NM_001406685.1 and 3 more transcripts); c.281C>A, p.Pro94Gln (NM_001077183.3, NM_001114382.3, NM_001363528.2 and 10 more transcripts); c.134C>A, p.Pro45Gln (NM_001318829.2, NM_001406675.1, NM_001406676.1 and 2 more transcripts); c.314C>A, p.Pro105Gln (NM_001318832.2); c.-536C>A (NM_001406680.1, NM_001406683.1, NM_001406687.1); c.-165C>A (NM_001406681.1); c.-1151C>A (NM_001406689.1, NM_001406690.1, NM_001406691.1 and 2 more transcripts); and 4 more; short protein forms P45Q, P94Q, P105Q.
Identifiers: ClinVar variation 3329501 (VCV003329501.2).
Genomic context (GRCh38, chr16:2,053,397, plus strand): 5'-GACAGCACGCAGTGGAAGCACTCTGGAAGGCGGTCGCGGATCTGTTGCAGCCGGAGCGGC[C>A]GCTGGAGGCCCGGCACGCGGTGCTGGCTCTGCTGAAGGCCATCGTGCAGGGGCAGGTAAG-3'
Protein context (NP_000539.2, residues 84-104): AVADLLQPER[Pro94Gln]LEARHAVLAL

ClinVar aggregate classification (germline): Uncertain significance. Review status: criteria provided, multiple submitters, no conflicts (2 of 4 stars). 2 submissions from 2 submitters: Uncertain significance (2). Last evaluated 2026-01-13.

Conditions:
Hereditary cancer-predisposing syndrome. Also called: Hereditary Cancer Syndrome; Tumor predisposition; Neoplastic Syndromes, Hereditary; Hereditary neoplastic syndrome. Identifiers: Orphanet 140162, MedGen C0027672, MeSH D009386, MONDO:0015356.
Tuberous sclerosis 2 (TSC2). Identifiers: Orphanet 805, MedGen C1860707, MONDO:0013199, OMIM 613254.

Submissions (2):

Labcorp Genetics (formerly Invitae), Labcorp
Classification: Uncertain significance for Tuberous sclerosis 2. Last evaluated: 2026-01-13. Review status: criteria provided, single submitter. Criteria: Invitae Variant Classification Sherloc (09022015). Collection method: clinical testing. Allele origin: germline.
Comment: This sequence change replaces proline, which is neutral and non-polar, with glutamine, which is neutral and polar, at codon 94 of the TSC2 protein (p.Pro94Gln). This variant is not present in population databases (gnomAD no frequency). This variant has not been reported in the literature in individuals affected with TSC2-related conditions. ClinVar contains an entry for this variant (Variation ID: 3329501). Invitae Evidence Modeling of protein sequence and biophysical properties (such as structural, functional, and spatial information, amino acid conservation, physicochemical variation, residue mobility, and thermodynamic stability) indicates that this missense variant is not expected to disrupt TSC2 protein function with a negative predictive value of 95%. In summary, the available evidence is currently insufficient to determine the role of this variant in disease. Therefore, it has been classified as a Variant of Uncertain Significance.

Ambry Genetics
Classification: Uncertain significance for Hereditary cancer-predisposing syndrome. Last evaluated: 2024-04-18. Review status: criteria provided, single submitter. Criteria: Ambry Variant Classification Scheme 2023. Collection method: clinical testing. Allele origin: germline.
Comment: The p.P94Q variant (also known as c.281C>A), located in coding exon 3 of the TSC2 gene, results from a C to A substitution at nucleotide position 281. The proline at codon 94 is replaced by glutamine, an amino acid with similar properties. This amino acid position is conserved. In addition, this alteration is predicted to be deleterious by in silico analysis. Based on the available evidence, the clinical significance of this variant remains unclear.